The following is an entry in ClinVar:

NM_001174150.2(ARL13B):c.831C>A (p.Asn277Lys)

Gene: ARL13B (ARF like GTPase 13B; plus strand). Cytogenetic location: 3q11.2.
Variant type: single nucleotide variant.
Coding change: c.831C>A on transcript NM_001174150.2 (MANE Select); coding-DNA position 831, C replaced by A.
Protein change: p.Asn277Lys; replaces asparagine 277 with lysine.
Molecular consequence: missense variant. On other transcripts: non-coding transcript variant (2).
Genome position (GRCh38, 1-based): chr3:94,043,047, C>A. VCF-style: chr3-94043047-C-A. GRCh37 (hg19) VCF-style: chr3-93761891-C-A.
Other names: p.Asn277Lys; c.522C>A, p.Asn174Lys (NM_001174151.2); c.786C>A, p.Asn262Lys (NM_001321328.2); c.510C>A, p.Asn170Lys (NM_144996.4); c.831C>A, p.Asn277Lys (NM_182896.3); short protein forms N277K, N170K, N174K, N262K.
Identifiers: ClinVar variation 287670 (VCV000287670.44), dbSNP rs139997243, ClinGen allele CA2504195.

ClinVar aggregate classification (germline): Conflicting classifications of pathogenicity. Review status: criteria provided, conflicting classifications (1 of 4 stars). 7 submissions from 7 submitters: Uncertain significance (1); Likely benign (5). 1 of the submissions does not count toward it. Last evaluated 2026-08-01.

Conditions:
ARL13B-related disorder. Also called: ARL13B-related condition.
Joubert syndrome 8 (JBTS8). Identifiers: Orphanet 475, MedGen C2676771, MONDO:0012855, OMIM 612291.

Allele frequency attached by ClinVar (database versions not stated): ESP Exome Variant Server 0.00015; gnomAD exomes 0.00080 and 0.00107; gnomAD 0.00089 and 0.00098; TOPMed 0.00092; 1000 Genomes Project 30x 0.00125; 1000 Genomes Project 0.00140; ExAC 0.00141.
gnomAD v4.1: 1,319 of 1,608,680 alleles (0.082%); highest among the groups gnomAD compares: South Asian, 0.3%; 8 homozygotes.

Submissions (7):

CeGaT Center for Human Genetics Tuebingen
Classification: Likely benign. Last evaluated: 2026-08-01. Review status: criteria provided, single submitter. Criteria: CeGaT Center For Human Genetics Tuebingen Variant Classification Criteria Version 2. Collection method: clinical testing. Allele origin: germline. Affected: yes. Observed: 3 variant alleles.
Comment: ARL13B: BP4

Labcorp Genetics (formerly Invitae), Labcorp
Classification: Likely benign for Joubert syndrome 8. Last evaluated: 2026-02-02. Review status: criteria provided, single submitter. Criteria: Invitae Variant Classification Sherloc (09022015). Collection method: clinical testing. Allele origin: germline.

Mayo Clinic Laboratories, Mayo Clinic
Classification: Likely benign. Last evaluated: 2025-10-01. Review status: criteria provided, single submitter. Criteria: ACMG Guidelines, 2015. Collection method: clinical testing. Allele origin: germline. Observed: 1 variant allele.
Comment: BS1, BP4

Blueprint Genetics
Classification: Likely benign. Last evaluated: 2024-11-06. Review status: criteria provided, single submitter. Criteria: ACMG Guidelines, 2015. Collection method: clinical testing. Allele origin: germline.

GeneDx
Classification: Likely benign. Last evaluated: 2021-03-19. Review status: criteria provided, single submitter. Criteria: GeneDx Variant Classification Process June 2021. Collection method: clinical testing. Allele origin: germline. Affected: yes.
Comment: This variant is associated with the following publications: (PMID: 26058580)

Eurofins Ntd Llc (ga)
Classification: Uncertain significance. Last evaluated: 2016-05-26. Review status: criteria provided, single submitter. Criteria: EGL Classification Definitions 2015. Collection method: clinical testing. Allele origin: germline. Observed: 1 variant allele, 1 heterozygote.

PreventionGenetics, part of Exact Sciences
Classification: Likely benign for ARL13B-related condition. Last evaluated: 2022-05-09. Review status: no assertion criteria provided. Collection method: clinical testing. Allele origin: germline. Not counted in ClinVar's aggregate classification.
Comment: This variant is classified as likely benign based on ACMG/AMP sequence variant interpretation guidelines (Richards et al. 2015 PMID: 25741868, with internal and published modifications).